The following is an entry in ClinVar:

ClinVar aggregate classification (germline): Uncertain significance. Review status: criteria provided, multiple submitters, no conflicts (2 of 4 stars). 3 submissions from 3 submitters: Uncertain significance (3). Last evaluated 2026-03-18.

Conditions:
HSD3B7-related disorder. Also called: HSD3B7-related condition.

Allele frequency attached by ClinVar (database versions not stated): ExAC 0.00007; gnomAD 0.00007; gnomAD exomes 0.00008 and 0.00027; TOPMed 0.00009.

Submissions (3):

PreventionGenetics, part of Exact Sciences
Classification: Uncertain significance for HSD3B7-related condition. Last evaluated: 2026-03-18. Review status: criteria provided, single submitter. Criteria: ACMG Guidelines, 2015. Collection method: clinical testing. Allele origin: germline.
Comment: The HSD3B7 c.521A>G variant is predicted to result in the amino acid substitution p.Asn174Ser. This variant was reported in heterozygous state in an individual with cholestatic hepatitis (patient 53, supplement, Fang et al. 2021. PubMed ID: 33763395). This variant is reported in 0.025% of alleles in individuals of East Asian descent in gnomAD. At this time, the clinical significance of this variant is uncertain due to the absence of conclusive functional and genetic evidence.

Blueprint Genetics
Classification: Uncertain significance. Last evaluated: 2024-03-22. Review status: criteria provided, single submitter. Criteria: ACMG Guidelines, 2015. Collection method: clinical testing. Allele origin: germline.

Eurofins Ntd Llc (ga)
Classification: Uncertain significance. Last evaluated: 2017-08-15. Review status: criteria provided, single submitter. Criteria: EGL Classification Definitions 2015. Collection method: clinical testing. Allele origin: germline. Observed: 3 variant alleles, 3 heterozygotes.

NM_025193.4(HSD3B7):c.521A>G (p.Asn174Ser)

Gene: HSD3B7 (hydroxy-delta-5-steroid dehydrogenase, 3 beta- and steroid delta-isomerase 7; plus strand). Cytogenetic location: 16p11.2.
Variant type: single nucleotide variant.
Coding change: c.521A>G on transcript NM_025193.4 (MANE Select); coding-DNA position 521, A replaced by G.
Protein change: p.Asn174Ser; replaces asparagine 174 with serine.
Molecular consequence: missense variant.
Genome position (GRCh38, 1-based): chr16:30,986,694, A>G. VCF-style: chr16-30986694-A-G. GRCh37 (hg19) VCF-style: chr16-30998015-A-G.
Other names: c.521A>G, p.Asn174Ser (NM_001142777.2, NM_001142778.2); c.521A>G (NM_025193.3); short protein forms N174S.
Identifiers: ClinVar variation 593673 (VCV000593673.7), dbSNP rs750999061, ClinGen allele CA8018013.